The following is an entry in ClinVar:

NM_130384.3(ATRIP):c.1673C>G (p.Ala558Gly)

Genes: ATRIP (ATR interacting protein; plus strand), ATRIP-TREX1 (ATRIP-TREX1 readthrough; plus strand). Cytogenetic location: 3p21.31.
Variant type: single nucleotide variant.
Coding change: c.1673C>G on transcript NM_130384.3 (MANE Select); coding-DNA position 1673, C replaced by G.
Protein change: p.Ala558Gly; replaces alanine 558 with glycine.
Molecular consequence: missense variant. On other transcripts: non-coding transcript variant (1).
Genome position (GRCh38, 1-based): chr3:48,460,727, C>G. VCF-style: chr3-48460727-C-G. GRCh37 (hg19) VCF-style: chr3-48502126-C-G.
Other names: c.1292C>G, p.Ala431Gly (NM_001271022.2); c.1394C>G, p.Ala465Gly (NM_001271023.2); c.1673C>G, p.Ala558Gly (NM_032166.4); short protein forms A431G, A558G, A465G.
Identifiers: ClinVar variation 3976822 (VCV003976822.1).

ClinVar aggregate classification (germline): Uncertain significance (1 of 4 stars; one submission).

Submission:

Ambry Genetics
Classification: Uncertain significance. Last evaluated: 2025-05-25. Review status: criteria provided, single submitter. Criteria: Ambry Variant Classification Scheme 2023. Collection method: clinical testing. Allele origin: germline.
Comment: The p.A558G variant (also known as c.1673C>G), located in coding exon 8 of the ATRIP gene, results from a C to G substitution at nucleotide position 1673. The alanine at codon 558 is replaced by glycine, an amino acid with similar properties. This amino acid position is conserved. In addition, this alteration is predicted to be tolerated by in silico analysis. Based on the available evidence, the clinical significance of this variant remains unclear.